The following is an entry in ClinVar:

NM_013275.6(ANKRD11):c.7085C>T (p.Thr2362Ile)

Gene: ANKRD11 (ankyrin repeat domain 11; minus strand). Cytogenetic location: 16q24.3.
Variant type: single nucleotide variant.
Coding change: c.7085C>T on transcript NM_013275.6 (MANE Select); coding-DNA position 7085, C replaced by T.
Protein change: p.Thr2362Ile; replaces threonine 2362 with isoleucine.
Molecular consequence: missense variant.
Genome position (GRCh38, 1-based): chr16:89,279,457, G>A on the plus strand (C>T on the coding strand, the complement: ANKRD11 is on the minus strand). VCF-style: chr16-89279457-G-A. GRCh37 (hg19) VCF-style: chr16-89345865-G-A.
Other names: c.7085C>T, p.Thr2362Ile (NM_001256182.2, NM_001256183.2); c.7085C>T (NM_013275.4); short protein forms T2362I.
Identifiers: ClinVar variation 3637124 (VCV003637124.3).

ClinVar aggregate classification (germline): Uncertain significance. Review status: criteria provided, multiple submitters, no conflicts (2 of 4 stars). 2 submissions from 2 submitters: Uncertain significance (2). Last evaluated 2026-06-10.

Conditions:
Inborn genetic diseases. Identifiers: MedGen C0950123, MeSH D030342.
KBG syndrome (KBGS). Also called: ANKRD11-Related KBG Syndrome. Identifiers: Orphanet 2332, MedGen C0220687, MONDO:0007846, OMIM 148050.

Submissions (2):

Ambry Genetics
Classification: Uncertain significance for Inborn genetic diseases. Last evaluated: 2026-06-10. Review status: criteria provided, single submitter. Criteria: Ambry Variant Classification Scheme 2023. Collection method: clinical testing. Allele origin: germline.

Labcorp Genetics (formerly Invitae), Labcorp
Classification: Uncertain significance for KBG syndrome. Last evaluated: 2024-11-18. Review status: criteria provided, single submitter. Criteria: Invitae Variant Classification Sherloc (09022015). Collection method: clinical testing. Allele origin: germline.
Comment: This sequence change replaces threonine, which is neutral and polar, with isoleucine, which is neutral and non-polar, at codon 2362 of the ANKRD11 protein (p.Thr2362Ile). This variant is not present in population databases (gnomAD no frequency). This variant has not been reported in the literature in individuals affected with ANKRD11-related conditions. Invitae Evidence Modeling of protein sequence and biophysical properties (such as structural, functional, and spatial information, amino acid conservation, physicochemical variation, residue mobility, and thermodynamic stability) indicates that this missense variant is not expected to disrupt ANKRD11 protein function with a negative predictive value of 95%. In summary, the available evidence is currently insufficient to determine the role of this variant in disease. Therefore, it has been classified as a Variant of Uncertain Significance.